The following is an entry in ClinVar:

ClinVar aggregate classification (germline): Uncertain significance (1 of 4 stars; one submission).

Conditions:
Dilated cardiomyopathy 1DD (CMD1DD). Identifiers: Orphanet 154, MedGen C2750995, MONDO:0013168, OMIM 613172.

Submission:

Labcorp Genetics (formerly Invitae), Labcorp
Classification: Uncertain significance for Dilated cardiomyopathy 1DD. Last evaluated: 2024-11-21. Review status: criteria provided, single submitter. Criteria: Invitae Variant Classification Sherloc (09022015). Collection method: clinical testing. Allele origin: germline.
Comment: This sequence change replaces threonine, which is neutral and polar, with proline, which is neutral and non-polar, at codon 812 of the RBM20 protein (p.Thr812Pro). This variant is not present in population databases (gnomAD no frequency). This variant has not been reported in the literature in individuals affected with RBM20-related conditions. ClinVar contains an entry for this variant (Variation ID: 566508). Invitae Evidence Modeling of protein sequence and biophysical properties (such as structural, functional, and spatial information, amino acid conservation, physicochemical variation, residue mobility, and thermodynamic stability) indicates that this missense variant is not expected to disrupt RBM20 protein function with a negative predictive value of 95%. In summary, the available evidence is currently insufficient to determine the role of this variant in disease. Therefore, it has been classified as a Variant of Uncertain Significance.

NM_001134363.3(RBM20):c.2434A>C (p.Thr812Pro)

Gene: RBM20 (RNA binding motif protein 20; plus strand). Cytogenetic location: 10q25.2.
Variant type: single nucleotide variant.
Coding change: c.2434A>C on transcript NM_001134363.3 (MANE Select); coding-DNA position 2434, A replaced by C.
Protein change: p.Thr812Pro; replaces threonine 812 with proline.
Molecular consequence: missense variant.
Genome position (GRCh38, 1-based): chr10:110,812,831, A>C. VCF-style: chr10-110812831-A-C. GRCh37 (hg19) VCF-style: chr10-112572589-A-C.
Other names: short protein forms T812P.
Identifiers: ClinVar variation 566508 (VCV000566508.8), dbSNP rs1564661367, ClinGen allele CA378374008.